The following is an entry in ClinVar:

ClinVar aggregate classification (germline): Uncertain significance. Review status: criteria provided, multiple submitters, no conflicts (2 of 4 stars). 3 submissions from 3 submitters: Uncertain significance (3). Last evaluated 2024-05-04.

Conditions:
Hereditary cancer-predisposing syndrome. Also called: Neoplastic Syndromes, Hereditary; Tumor predisposition; Hereditary neoplastic syndrome; Hereditary Cancer Syndrome. Identifiers: Orphanet 140162, MedGen C0027672, MeSH D009386, MONDO:0015356.
Familial adenomatous polyposis 1 (FAP1). Also called: POLYPOSIS, ADENOMATOUS INTESTINAL; FAMILIAL ADENOMATOUS POLYPOSIS 1, ATTENUATED. Identifiers: MedGen C2713442, MONDO:0021056, OMIM 175100. Disease mechanism: loss of function.

Allele frequency attached by ClinVar (database versions not stated): gnomAD exomes below 0.00001.
gnomAD v4.1: 2 of 1,613,800 alleles (0.00012%); highest among the groups gnomAD compares: Non-Finnish European, 0.00017%; no homozygotes.

Submissions (3):

Labcorp Genetics (formerly Invitae), Labcorp
Classification: Uncertain significance for Familial adenomatous polyposis 1. Last evaluated: 2024-05-04. Review status: criteria provided, single submitter. Criteria: Invitae Variant Classification Sherloc (09022015). Collection method: clinical testing. Allele origin: germline.
Comment: This sequence change replaces lysine, which is basic and polar, with arginine, which is basic and polar, at codon 2399 of the APC protein (p.Lys2399Arg). This variant is not present in population databases (gnomAD no frequency). This variant has not been reported in the literature in individuals affected with APC-related conditions. ClinVar contains an entry for this variant (Variation ID: 826897). Advanced modeling of protein sequence and biophysical properties (such as structural, functional, and spatial information, amino acid conservation, physicochemical variation, residue mobility, and thermodynamic stability) performed at Invitae indicates that this missense variant is not expected to disrupt APC protein function with a negative predictive value of 95%. In summary, the available evidence is currently insufficient to determine the role of this variant in disease. Therefore, it has been classified as a Variant of Uncertain Significance.

Color Diagnostics, LLC DBA Color Health
Classification: Uncertain significance for Hereditary cancer-predisposing syndrome. Last evaluated: 2024-03-07. Review status: criteria provided, single submitter. Criteria: ACMG Guidelines, 2015. Collection method: clinical testing. Allele origin: germline.
Comment: This missense variant replaces lysine with arginine at codon 2399 of the APC protein. Computational prediction suggests that this variant may not impact protein structure and function (internally defined REVEL score threshold <= 0.5, PMID: 27666373). Splice site prediction tools suggest that this variant may not impact RNA splicing. To our knowledge, functional studies have not been performed for this variant. This variant has not been reported in individuals affected with hereditary cancer in the literature. This variant has not been identified in the general population by the Genome Aggregation Database (gnomAD). The available evidence is insufficient to determine the role of this variant in disease conclusively. Therefore, this variant is classified as a Variant of Uncertain Significance.

Ambry Genetics
Classification: Uncertain significance for Hereditary cancer-predisposing syndrome. Last evaluated: 2022-09-27. Review status: criteria provided, single submitter. Criteria: Ambry Variant Classification Scheme 2023. Collection method: clinical testing. Allele origin: germline.
Comment: The p.K2399R variant (also known as c.7196A>G), located in coding exon 15 of the APC gene, results from an A to G substitution at nucleotide position 7196. The lysine at codon 2399 is replaced by arginine, an amino acid with highly similar properties. This amino acid position is highly conserved in available vertebrate species. In addition, in silico predictors for this gene do not accurately predict pathogenicity. Since supporting evidence is limited at this time, the clinical significance of this alteration remains unclear.

NM_000038.6(APC):c.7196A>G (p.Lys2399Arg)

Gene: APC (APC regulator of Wnt signaling pathway; plus strand). Cytogenetic location: 5q22.2.
Variant type: single nucleotide variant.
Coding change: c.7196A>G on transcript NM_000038.6 (MANE Select); coding-DNA position 7196, A replaced by G.
Protein change: p.Lys2399Arg; replaces lysine 2399 with arginine.
Molecular consequence: missense variant.
Genome position (GRCh38, 1-based): chr5:112,842,790, A>G. VCF-style: chr5-112842790-A-G. GRCh37 (hg19) VCF-style: chr5-112178487-A-G.
Other names: c.7196A>G, p.Lys2399Arg (NM_001127510.3, NM_001354895.2); c.7142A>G, p.Lys2381Arg (NM_001127511.3); c.7250A>G, p.Lys2417Arg (NM_001354896.2); c.7226A>G, p.Lys2409Arg (NM_001354897.2); c.7121A>G, p.Lys2374Arg (NM_001354898.2); c.7112A>G, p.Lys2371Arg (NM_001354899.2); c.7073A>G, p.Lys2358Arg (NM_001354900.2); c.7019A>G, p.Lys2340Arg (NM_001354901.2); and 5 more; short protein forms K2116R, K2381R, K2399R, K2409R, K2239R, K2273R, K2298R, K2308R.
Identifiers: ClinVar variation 826897 (VCV000826897.19), dbSNP rs1580679699, ClinGen allele CA16037003.